The following is an entry in ClinVar:

ClinVar aggregate classification (germline): Benign/Likely benign. Review status: criteria provided, multiple submitters, no conflicts (2 of 4 stars). 4 submissions from 4 submitters: Benign (1); Likely benign (2). 1 of the submissions does not count toward it. Last evaluated 2025-11-13.

Conditions:
SEMA3A-related disorder. Also called: SEMA3A-related condition.
Delayed puberty. Identifiers: MedGen C0034012, HP:0000823.

Allele frequency attached by ClinVar (database versions not stated): 1000 Genomes Project 0.00020; ESP Exome Variant Server 0.00023; 1000 Genomes Project 30x 0.00031; gnomAD exomes 0.00116; TOPMed 0.00066; gnomAD 0.00075 and 0.00076; ExAC 0.00100.
gnomAD v4.1: 840 of 1,614,078 alleles (0.052%); highest among the groups gnomAD compares: Admixed American, 0.13%; 4 homozygotes.

Submissions (4):

PreventionGenetics, part of Exact Sciences
Classification: Likely benign for SEMA3A-related condition. Last evaluated: 2025-11-13. Review status: criteria provided, single submitter. Criteria: ACMG Guidelines, 2015. Collection method: clinical testing. Allele origin: germline.
Comment: This variant is classified as likely benign based on ACMG/AMP sequence variant interpretation guidelines (Richards et al. 2015 PMID: 25741868, with internal and published modifications).

Labcorp Genetics (formerly Invitae), Labcorp
Classification: Benign. Last evaluated: 2019-12-31. Review status: criteria provided, single submitter. Criteria: Invitae Variant Classification Sherloc (09022015). Collection method: clinical testing. Allele origin: germline.

GeneDx
Classification: Likely benign. Last evaluated: 2019-09-09. Review status: criteria provided, single submitter. Criteria: GeneDx Variant Classification Process June 2021. Collection method: clinical testing. Allele origin: germline. Affected: yes.
Comment: This variant is associated with the following publications: (PMID: 29255181, 25636053)

Chan Lab, Boston Children's Hospital
Classification: Likely pathogenic for Delayed puberty. Last evaluated: 2014-11-01. Review status: flagged submission. Criteria: Submitter's publication. Collection method: case-control. Allele origin: unknown. Affected: yes. Observed: 1 variant allele. Not counted in ClinVar's aggregate classification.
ClinVar note: Reason: Older and outlier claim with insufficient supporting evidence

NM_006080.3(SEMA3A):c.2150C>T (p.Thr717Ile)

Gene: SEMA3A (semaphorin 3A; minus strand). Cytogenetic location: 7q21.11.
Variant type: single nucleotide variant.
Coding change: c.2150C>T on transcript NM_006080.3 (MANE Select); coding-DNA position 2150, C replaced by T.
Protein change: p.Thr717Ile; replaces threonine 717 with isoleucine.
Molecular consequence: missense variant.
Genome position (GRCh38, 1-based): chr7:83,961,537, G>A on the plus strand (C>T on the coding strand, the complement: SEMA3A is on the minus strand). VCF-style: chr7-83961537-G-A. GRCh37 (hg19) VCF-style: chr7-83590853-G-A.
Other names: short protein forms T717I.
Identifiers: ClinVar variation 180149 (VCV000180149.11), dbSNP rs138952094, ClinGen allele CA185875.
Genomic context (GRCh38, chr7:83,961,537, plus strand): 5'-GGCCTTTGCCGACGTTGTTTTCGGTCCCTTTTCCAAACTTGTTCACAGAACTCATCCATT[G>A]TGTTGAGATTGGGGTGGTTGATGAGCTGCATGAAGTCTCTGTACCAGACCTTCTGGCTAG-3'
Protein context (NP_006071.1, residues 707-727): MQLINHPNLN[Thr717Ile]MDEFCEQVWK